The following is an entry in ClinVar:

ClinVar aggregate classification (germline): Pathogenic (1 of 4 stars; one submission).

Submission:

Labcorp Genetics (formerly Invitae), Labcorp
Classification: Pathogenic. Last evaluated: 2022-06-11. Review status: criteria provided, single submitter. Criteria: Invitae Variant Classification Sherloc (09022015). Collection method: clinical testing. Allele origin: germline.
Comment: For these reasons, this variant has been classified as Pathogenic. This variant disrupts a region of the CACNA1F protein in which other variant(s) (p.Gly1018Arg) have been determined to be pathogenic (PMID: 12111638, 17949918, 19578023, 23714322). This suggests that this is a clinically significant region of the protein, and that variants that disrupt it are likely to be disease-causing. A similar copy number variant has been observed in individual(s) with CACNA1F-related conditions (PMID: 24124559). This variant is a gross deletion of the genomic region encompassing exon(s) 18-26 of the CACNA1F gene. This variant would be expected to be in-frame, preserving the integrity of the reading frame.

Literature cited by the submitters: PubMed 12111638; PubMed 17949918; PubMed 19578023; PubMed 23714322; PubMed 24124559.

NC_000023.10:g.(?_49074194)_(49077559_?)del

Gene: CACNA1F (calcium voltage-gated channel subunit alpha1 F; minus strand). Cytogenetic location: Xp11.23.
Variant type: Deletion.
Identifiers: ClinVar variation 2425309 (VCV002425309.4).